The following is an entry in ClinVar:

ClinVar aggregate classification (germline): Benign. Review status: criteria provided, multiple submitters, no conflicts (2 of 4 stars). 10 submissions from 10 submitters: Benign (7). 3 of the submissions do not count toward it. Last evaluated 2026-02-04.

Conditions:
Hereditary cancer-predisposing syndrome. Also called: Tumor predisposition; Neoplastic Syndromes, Hereditary; Hereditary Cancer Syndrome; Hereditary neoplastic syndrome. Identifiers: Orphanet 140162, MedGen C0027672, MeSH D009386, MONDO:0015356.
Hereditary nonpolyposis colon cancer (HNPCC). Also called: Hereditary nonpolyposis colorectal cancer; Familial nonpolyposis colon cancer; Hereditary Nonpolyposis Colorectal Cancer Syndrome. Identifiers: Orphanet 443909, MedGen C1333990, MONDO:0018630. Disease mechanism: loss of function.
Hereditary diffuse gastric adenocarcinoma (HDGC). Also called: DIFFUSE GASTRIC AND LOBULAR BREAST CANCER SYNDROME. Identifiers: Orphanet 26106, MedGen C1708349, MONDO:0007648, OMIM 137215.

Allele frequency attached by ClinVar (database versions not stated): 1000 Genomes Project 30x 0.01780; 1000 Genomes Project 0.01797; TOPMed 0.02639; gnomAD 0.02707 and 0.02810; gnomAD exomes 0.03233; ESP Exome Variant Server 0.03306; ExAC 0.03352.
gnomAD v4.1: 62,700 of 1,613,716 alleles (3.9%); highest among the groups gnomAD compares: Middle Eastern, 7.6%; 1,508 homozygotes.

Submissions (10):

Labcorp Genetics (formerly Invitae), Labcorp
Classification: Benign. Last evaluated: 2026-02-04. Review status: criteria provided, single submitter. Criteria: Invitae Variant Classification Sherloc (09022015). Collection method: clinical testing. Allele origin: germline.

Center for Genomic Medicine, Rigshospitalet, Copenhagen University Hospital
Classification: Benign. Last evaluated: 2025-03-04. Review status: criteria provided, single submitter. Criteria: ACMG Guidelines, 2015. Collection method: clinical testing. Allele origin: germline.

Myriad Genetics, Inc.
Classification: Benign for Hereditary diffuse gastric adenocarcinoma. Last evaluated: 2024-10-10. Review status: criteria provided, single submitter. Criteria: Myriad Autosomal Dominant, Autosomal Recessive and X-Linked Classification Criteria (2023). Collection method: clinical testing. Allele origin: unknown.
Comment: This variant is considered benign. This variant is a silent/synonymous amino acid change and it is not expected to impact splicing.

Mayo Clinic Laboratories, Mayo Clinic
Classification: Benign. Last evaluated: 2022-04-26. Review status: criteria provided, single submitter. Criteria: ACMG Guidelines, 2015. Collection method: clinical testing. Allele origin: germline. Observed: 40 variant alleles.

Department of Pathology and Laboratory Medicine, Sinai Health System
Classification: Benign for hereditary nonpolyposis colon cancer. Last evaluated: 2021-04-29. Review status: criteria provided, single submitter. Criteria: ACMG Guidelines, 2015. Collection method: clinical testing. Allele origin: germline. Affected: yes.

Ambry Genetics
Classification: Benign for Hereditary cancer-predisposing syndrome. Last evaluated: 2019-03-26. Review status: criteria provided, single submitter. Criteria: Ambry Variant Classification Scheme 2023. Collection method: clinical testing. Allele origin: germline.

GeneDx
Classification: Benign. Last evaluated: 2018-06-22. Review status: criteria provided, single submitter. Criteria: GeneDx Variant Classification Process June 2021. Collection method: clinical testing. Allele origin: germline. Affected: yes.

Genome Diagnostics Laboratory, Amsterdam University Medical Center
Classification: Benign. Review status: no assertion criteria provided. Collection method: clinical testing. Allele origin: germline. Affected: yes. Study: VKGL Data-share Consensus. Not counted in ClinVar's aggregate classification.

Joint Genome Diagnostic Labs from Nijmegen and Maastricht, Radboudumc and MUMC+
Classification: Benign. Review status: no assertion criteria provided. Collection method: clinical testing. Allele origin: germline. Affected: yes. Study: VKGL Data-share Consensus. Not counted in ClinVar's aggregate classification.

Laboratory of Diagnostic Genome Analysis, Leiden University Medical Center (LUMC)
Classification: Benign. Review status: no assertion criteria provided. Collection method: clinical testing. Allele origin: germline. Affected: yes. Study: VKGL Data-share Consensus. Not counted in ClinVar's aggregate classification.

NM_001903.5(CTNNA1):c.540A>C (p.Leu180=)

Gene: CTNNA1 (catenin alpha 1; plus strand). Cytogenetic location: 5q31.2.
Variant type: single nucleotide variant.
Coding change: c.540A>C on transcript NM_001903.5 (MANE Select); coding-DNA position 540, A replaced by C.
Protein change: p.Leu180=; no amino-acid change (leucine 180 retained).
Molecular consequence: synonymous variant.
Genome position (GRCh38, 1-based): chr5:138,812,254, A>C. VCF-style: chr5-138812254-A-C. GRCh37 (hg19) VCF-style: chr5-138147943-A-C.
Other names: p.Leu180=; c.540A>C, p.Leu180= (NM_001290307.3, NM_001323982.2, NM_001323983.1 and 3 more transcripts); c.231A>C, p.Leu77= (NM_001290309.3); c.171A>C, p.Leu57= (NM_001290310.3).
Identifiers: ClinVar variation 415357 (VCV000415357.25), dbSNP rs11552054, ClinGen allele CA3431475.
Genomic context (GRCh38, chr5:138,812,254, plus strand): 5'-TATCTTGAAGTTGAGGAATGCTGGCAATGAACAAGACTTAGGAATCCAGTATAAAGCCCT[A>C]AAACCTGAAGTGGATAAGCTGAACATTATGGCAGCCAAAAGACAACAGGTACAGTCATGA-3'
Protein context (NP_001894.2, residues 170-190): EQDLGIQYKA[Leu180=]KPEVDKLNIM